The following is an entry in ClinVar:

ClinVar aggregate classification (germline): Pathogenic (1 of 4 stars; one submission).

Conditions:
Peutz-Jeghers syndrome (PJS). Also called: POLYPOSIS, HAMARTOMATOUS INTESTINAL; POLYPS-AND-SPOTS SYNDROME; Peutz-Jeghers polyposis; Periorificial lentiginosis syndrome. Identifiers: Orphanet 2869, MedGen C0031269, MeSH D010580, MONDO:0008280, OMIM 175200.

Submission:

Myriad Genetics, Inc.
Classification: Pathogenic for Peutz-Jeghers syndrome. Last evaluated: 2024-02-12. Review status: criteria provided, single submitter. Criteria: Myriad Autosomal Dominant, Autosomal Recessive and X-Linked Classification Criteria (2023). Collection method: clinical testing. Allele origin: unknown.
Comment: This variant is considered pathogenic. This variant creates a frameshift predicted to result in premature protein truncation.

NM_000455.5(STK11):c.1161del (p.Lys388fs)

Gene: STK11 (serine/threonine kinase 11; plus strand). Cytogenetic location: 19p13.3.
Variant type: Deletion.
Coding change: c.1161del on transcript NM_000455.5 (MANE Select); coding-DNA position 1161, one base deleted (C; older notation c.1161delC).
Protein change: p.Lys388fs; shifts the reading frame from lysine 388.
Molecular consequence: frameshift variant. On other transcripts: non-coding transcript variant (1).
Genome position (GRCh38, 1-based): chr19:1,226,506, C deleted; the last of 4 consecutive C bases (chr19:1,226,503-1,226,506); deleting any one gives the same sequence. VCF-style (leftmost placement, unchanged base first): chr19-1226502-TC-T. GRCh37 (hg19) VCF-style: chr19-1226501-TC-T.
Other names: short protein forms K388fs.
Identifiers: ClinVar variation 3148380 (VCV003148380.1), dbSNP rs2512954838, ClinGen allele CA2825002720.
Genomic context (GRCh38, chr19:1,226,502, plus strand): 5'-TCTCCCTCCCAGGACAGGTCCCAGAAGAGGAGGCCAGTCACAATGGACAGCGCCGGGGCC[TC>T]CCCAAGGCCGTGTGTATGAACGGCACAGAGGCGGCGCAGCTGAGCACCAAATCCAGGGCG-3'